The following is an entry in ClinVar:

NM_000277.3(PAH):c.631C>A (p.Pro211Thr)

Gene: PAH (phenylalanine hydroxylase; minus strand). Cytogenetic location: 12q23.2.
Variant type: single nucleotide variant.
Coding change: c.631C>A on transcript NM_000277.3 (MANE Select); coding-DNA position 631, C replaced by A.
Protein change: p.Pro211Thr; replaces proline 211 with threonine.
Molecular consequence: missense variant.
Genome position (GRCh38, 1-based): chr12:102,855,211, G>T on the plus strand (C>A on the coding strand, the complement: PAH is on the minus strand). VCF-style: chr12-102855211-G-T. GRCh37 (hg19) VCF-style: chr12-103248989-G-T.
Other names: c.631C>A, p.Pro211Thr (NM_001354304.2); c.631C>A (NM_000277.2); short protein forms P211T.
Identifiers: ClinVar variation 102766 (VCV000102766.45), dbSNP rs62514931, ClinGen allele CA229666.

ClinVar aggregate classification (germline): Pathogenic. Review status: reviewed by expert panel (3 of 4 stars). 10 submissions from 10 submitters: Pathogenic (1). 9 of the submissions do not count toward it. Last evaluated 2020-07-03.

Conditions:
Autosomal recessive PAH-related disorders.
6-Pyruvoyl-tetrahydrobiopterin synthase deficiency. Also called: BH4-deficient hyperphenylalaninemia A; HYPERPHENYLALANINEMIA, TETRAHYDROBIOPTERIN-DEFICIENT, DUE TO PTS DEFICIENCY; PTS DEFICIENCY; PTS-Related Tetrahydrobiopterin Deficiency; 6-Pyruvoyltetrahydropterin Synthase Deficiency; Hyperphenylalanemia, BH4-deficient, A. Identifiers: Orphanet 13, Orphanet 238583, MedGen C0878676, MONDO:0009863, OMIM 261640.
Phenylketonuria (PKU). Also called: FOLLING DISEASE; Phenylketonurias; OLIGOPHRENIA PHENYLPYRUVICA; Phenylketonuria (PKU). Identifiers: Orphanet 716, MedGen C0031485, MONDO:0009861, OMIM 261600. Disease mechanism: loss of function.

Allele frequency attached by ClinVar (database versions not stated): gnomAD exomes 0.00001 and 0.00002; TOPMed 0.00002; gnomAD 0.00003.
gnomAD v4.1: 25 of 1,614,030 alleles (0.0015%); highest among the groups gnomAD compares: African/African-American, 0.0027%; no homozygotes.

Submissions (10):

ClinGen PAH Variant Curation Expert Panel
Classification: Pathogenic for Phenylketonuria. Last evaluated: 2020-07-03. Review status: reviewed by expert panel. Criteria: ClinGen PAH ACMG Specifications v1. Collection method: curation. Allele origin: germline. Inheritance: Autosomal recessive inheritance.
Comment: The c.631C>A (p.Pro211Thr) variant in PAH has been reported in multiple individuals with PAH deficiency (BH4 deficiency excluded) (PMID: 11708866, 21147011, 1619813). This variant has an extremely low allele frequency (MAF=0.00004) in gnomAD. It was detected with multiple pathogenic variants: IVS10-11G>A (4 patients, PMID: 21147011); p.R261Q in 2 unrelated patients (PMID: 11708866); p.R408W (PMID: 9429153); p.G272X (PMID: 16198137). Computational prediction tools and conservation analysis support a deleterious effect on the protein. In summary, this variant meets criteria to be classified as pathogenic for PAH. PAH-specific ACMG/AMP criteria applied: PM3_very-strong, PM2, PP4_Moderate, PP3.

Natera, Inc.
Classification: Pathogenic for Phenylketonuria. Last evaluated: 2025-12-23. Review status: criteria provided, single submitter. Criteria: Natera Variant Classification Schema (03/2026). Collection method: clinical testing. Allele origin: germline. Not counted in ClinVar's aggregate classification.
Comment: The c.631C>A variant in PAH is a missense variant predicted to cause substitution of proline to threonine at amino acid 211. This variant is rare in the general population with a frequency below the threshold expected for the associated phenotype(s). This variant has been observed in one or more individuals affected with the associated recessive disease, as either homozygous or compound heterozygous with a second variant (PMID: 38706300). Computational prediction algorithms indicate this variant is likely to affect gene or protein function. Given the available evidence, this variant is classified as Pathogenic.

Variantyx, Inc.
Classification: Pathogenic for Autosomal recessive PAH-related disorders. Last evaluated: 2025-10-23. Review status: criteria provided, single submitter. Criteria: Variantyx Assertion Criteria 2022. Collection method: clinical testing. Allele origin: germline. Inheritance: Autosomal recessive inheritance. Affected: yes. Not counted in ClinVar's aggregate classification.
Comment: This is a nonsynonymous variant in the PAH gene (OMIM: 612349). Pathogenic variants in this gene have been associated with autosomal recessive PAH-related disorders. Functionla anapysis has described that the mutated protein retains up to 72% of protein function (PMID:21953985). However, it has been observed in several individuals affected with PAH-related conditions (PMID: 17935162, 23500595, 8268925, 16198137, 9429153, 11708866)and alternate amino acid changes at this position (p.Pro211Leu and p.Pro211Gln) have been previously reported in similarly affected individuals, which suggests that this residue is functionally important (PM5). Moreover, multiple computational algorithms predict a deleterious effect for this variant (REVEL score: 0.881) (PP3). This variant has a 0.0027% maximum allele frequency in non-founder control populations (PM2). Based on the current evidence, this variant is classified as pathogenic for autosomal recessive PAH-related disorders.

GeneDx
Classification: Pathogenic. Last evaluated: 2025-10-20. Review status: criteria provided, single submitter. Criteria: GeneDx Variant Classification Process June 2021. Collection method: clinical testing. Allele origin: germline. Affected: yes. Not counted in ClinVar's aggregate classification.
Comment: Reported in multiple individuals with mild phenylketonuria (PKU) and mild hyperphenylalaninemia (HPA), in both the homozygous state and in the presence of a second pathogenic variant (Couce et al., 2012; Polak et al., 2013; Hennermann et al., 2005; Mirisola et al., 2001); In silico analysis supports that this missense variant has a deleterious effect on protein structure/function; Not observed at significant frequency in large population cohorts (gnomAD); This variant is associated with the following publications: (PMID: 8830172, 21953985, 23764561, 16051511, 39039323, 23500595, 26666653, 8268925, 17935162, 23430859, 11708866, 30648773, 35405047, 36646061, 38731816, 40293582)

Labcorp Genetics (formerly Invitae), Labcorp
Classification: Pathogenic for Phenylketonuria. Last evaluated: 2025-10-09. Review status: criteria provided, single submitter. Criteria: Invitae Variant Classification Sherloc (09022015). Collection method: clinical testing. Allele origin: germline. Not counted in ClinVar's aggregate classification.
Comment: This sequence change replaces proline, which is neutral and non-polar, with threonine, which is neutral and polar, at codon 211 of the PAH protein (p.Pro211Thr). This variant is present in population databases (rs62514931, gnomAD 0.004%). This missense change has been observed in individuals with PAH-related conditions (PMID: 8268925, 9429153, 11708866, 16198137, 17935162, 23500595). ClinVar contains an entry for this variant (Variation ID: 102766). Invitae Evidence Modeling of protein sequence and biophysical properties (such as structural, functional, and spatial information, amino acid conservation, physicochemical variation, residue mobility, and thermodynamic stability) indicates that this missense variant is not expected to disrupt PAH protein function with a negative predictive value of 80%. Experimental studies have shown that this missense change affects PAH function (PMID: 11708866, 21953985). This variant disrupts the p.Pro211 amino acid residue in PAH. Other variant(s) that disrupt this residue have been determined to be pathogenic (PMID: 24350308; internal data). This suggests that this residue is clinically significant, and that variants that disrupt this residue are likely to be disease-causing. For these reasons, this variant has been classified as Pathogenic.

CeGaT Center for Human Genetics Tuebingen
Classification: Pathogenic. Last evaluated: 2025-03-01. Review status: criteria provided, single submitter. Criteria: CeGaT Center For Human Genetics Tuebingen Variant Classification Criteria Version 2. Collection method: clinical testing. Allele origin: germline. Affected: yes. Observed: 2 variant alleles. Not counted in ClinVar's aggregate classification.
Comment: PAH: PM3:Very Strong, PM2, PM5, PS3:Supporting

Women's Health and Genetics/Laboratory Corporation of America, LabCorp
Classification: Pathogenic for 6-Pyruvoyl-tetrahydrobiopterin synthase deficiency. Last evaluated: 2021-09-11. Review status: criteria provided, single submitter. Criteria: LabCorp Variant Classification Summary - May 2015. Collection method: clinical testing. Allele origin: germline. Not counted in ClinVar's aggregate classification.
Comment: Variant summary: PAH c.631C>A (p.Pro211Thr) results in a non-conservative amino acid change located in the catalytic domain (IPR041912) of the encoded protein sequence. Four of five in-silico tools predict a damaging effect of the variant on protein function. The variant allele was found at a frequency of 2.4e-05 in 251336 control chromosomes (gnomAD). c.631C>A has been reported in the literature in multiple individuals (both homozygous and compound heterozygous state) affected with Hyperphenylalaninemia (Guldberg_1993, Couce_2013, Hennermann_2005). These data indicate that the variant is very likely to be associated with disease. Many reports indicate that patients harboring this variant are responsive to tetrahydrobiopterin (BH4) therapy. Anjema_2013 associates this variant with true BH4 responsiveness. Several publications report experimental evidence evaluating an impact on protein function. In most of these functional experiments, variant of interest had a mild reduction in activity compared to the wild type and therefore suggests a subtle effect on protein function. An in vitro assay found this variant to retain 72% of residual activity (Mirisola_2001). Scheller_2019 documented that this variant retains its ability to associate with wild-type PAH, does not form aggregates, and only mildly destabilized in structure. Using sequence conversion and stability methods, Shi_ 2012 suggests a low impact for this variant on protein function. Multiple clinical diagnostic laboratories and an expert panel (ClinGen PAH Variant Curation Expert Panel) have submitted clinical-significance assessments for this variant to ClinVar after 2014 without evidence for independent evaluation. All submitters classified the variant as pathogenic (n=4)/likely pathogenic (n=1). Based on the evidence outlined above, the variant was classified as pathogenic.

Genome-Nilou Lab
Classification: Pathogenic for Phenylketonuria. Last evaluated: 2021-07-22. Review status: criteria provided, single submitter. Criteria: ACMG Guidelines, 2015. Collection method: clinical testing. Allele origin: germline. Affected: no. Not counted in ClinVar's aggregate classification.

Counsyl
Classification: Likely pathogenic for Phenylketonuria. Last evaluated: 2016-01-13. Review status: no assertion criteria provided. Collection method: clinical testing. Allele origin: unknown. Not counted in ClinVar's aggregate classification.

DeBelle Laboratory for Biochemical Genetics, MUHC/MCH RESEARCH INSTITUTE
No classification provided. Review status: no classification provided. Collection method: not provided. Allele origin: not provided. Not counted in ClinVar's aggregate classification.

Literature cited by the submitters: PubMed 11708866 (cited by 4 submitters); PubMed 21147011 (cited by ClinGen PAH Variant Curation Expert Panel); PubMed 38706300 (cited by Natera, Inc.); PubMed 9429153 (cited by Variantyx, Inc. and Labcorp Genetics (formerly Invitae), Labcorp); PubMed 16198137 (cited by Variantyx, Inc. and Labcorp Genetics (formerly Invitae), Labcorp); PubMed 40293582 (cited by Variantyx, Inc.); PubMed 38731816 (cited by Variantyx, Inc.); PubMed 8268925 (cited by Labcorp Genetics (formerly Invitae), Labcorp and Women's Health and Genetics/Laboratory Corporation of America, LabCorp); PubMed 17935162 (cited by Labcorp Genetics (formerly Invitae), Labcorp); PubMed 23500595 (cited by Labcorp Genetics (formerly Invitae), Labcorp and Women's Health and Genetics/Laboratory Corporation of America, LabCorp); PubMed 21953985 (cited by Labcorp Genetics (formerly Invitae), Labcorp and Women's Health and Genetics/Laboratory Corporation of America, LabCorp); PubMed 24350308 (cited by Labcorp Genetics (formerly Invitae), Labcorp); PubMed 23842451 (cited by Women's Health and Genetics/Laboratory Corporation of America, LabCorp); PubMed 16051511 (cited by Women's Health and Genetics/Laboratory Corporation of America, LabCorp); PubMed 30648773 (cited by Women's Health and Genetics/Laboratory Corporation of America, LabCorp).